The following is an entry in ClinVar:

ClinVar aggregate classification (germline): Benign. Review status: criteria provided, multiple submitters, no conflicts (2 of 4 stars). 3 submissions from 3 submitters: Benign (3). Last evaluated 2021-07-01.

Conditions:
Glycogen storage disease, type V (GSD5). Also called: McArdle type glycogen storage disease; MCARDLE DISEASE; MUSCLE GLYCOGEN PHOSPHORYLASE DEFICIENCY; MYOPHOSPHORYLASE DEFICIENCY; PYGM DEFICIENCY. Identifiers: Orphanet 368, MedGen C0017924, MONDO:0009293, OMIM 232600.

Allele frequency attached by ClinVar (database versions not stated): ESP Exome Variant Server 0.06579; gnomAD 0.08974 and 0.09717; TOPMed 0.10318; gnomAD exomes 0.10376 and 0.14038; ExAC 0.12888; 1000 Genomes Project 30x 0.14413; 1000 Genomes Project 0.14776.
gnomAD v4.1: 166,118 of 1,609,704 alleles (10%); highest among the groups gnomAD compares: East Asian, 38%; 12,275 homozygotes.

Submissions (3):

Genome-Nilou Lab
Classification: Benign for Glycogen storage disease, type V. Last evaluated: 2021-07-01. Review status: criteria provided, single submitter. Criteria: ACMG Guidelines, 2015. Collection method: clinical testing. Allele origin: germline. Affected: no.

GeneDx
Classification: Benign. Last evaluated: 2018-06-16. Review status: criteria provided, single submitter. Criteria: GeneDx Variant Classification (06012015). Collection method: clinical testing. Allele origin: germline. Affected: yes.
Comment: This variant is considered likely benign or benign based on one or more of the following criteria: it is a conservative change, it occurs at a poorly conserved position in the protein, it is predicted to be benign by multiple in silico algorithms, and/or has population frequency not consistent with disease.

Breakthrough Genomics
Classification: Benign. Review status: criteria provided, single submitter. Criteria: ACMG Guidelines, 2015. Collection method: not provided. Allele origin: germline. Inheritance: Autosomal recessive inheritance. Affected: yes.

NM_005609.4(PYGM):c.1768+51C>T

Gene: PYGM (glycogen phosphorylase, muscle associated; minus strand). Cytogenetic location: 11q13.1.
Variant type: single nucleotide variant.
Coding change: c.1768+51C>T on transcript NM_005609.4 (MANE Select); 51 bases into the intron after coding-DNA position 1768, C replaced by T.
Molecular consequence: intron variant.
Genome position (GRCh38, 1-based): chr11:64,751,873, G>A on the plus strand (C>T on the coding strand, the complement: PYGM is on the minus strand). VCF-style: chr11-64751873-G-A. GRCh37 (hg19) VCF-style: chr11-64519345-G-A.
Other names: c.1504+51C>T (NM_001164716.1).
Identifiers: ClinVar variation 676186 (VCV000676186.5), dbSNP rs686171, ClinGen allele CA6079747.